The following is an entry in ClinVar:

NM_001385.3(DPYS):c.1441C>T (p.Arg481Trp)

Gene: DPYS (dihydropyrimidinase; minus strand). Cytogenetic location: 8q22.3.
Variant type: single nucleotide variant.
Coding change: c.1441C>T on transcript NM_001385.3 (MANE Select); coding-DNA position 1441, C replaced by T.
Protein change: p.Arg481Trp; replaces arginine 481 with tryptophan.
Molecular consequence: missense variant.
Genome position (GRCh38, 1-based): chr8:104,392,786, G>A on the plus strand (C>T on the coding strand, the complement: DPYS is on the minus strand). VCF-style: chr8-104392786-G-A. GRCh37 (hg19) VCF-style: chr8-105405014-G-A.
Other names: short protein forms R481W.
Identifiers: ClinVar variation 2177530 (VCV002177530.1), dbSNP rs150948846, ClinGen allele CA4838281.

ClinVar aggregate classification (germline): Uncertain significance (1 of 4 stars; one submission).

Allele frequency attached by ClinVar (database versions not stated): gnomAD 0.00001; TOPMed 0.00002; gnomAD exomes 0.00003.
gnomAD v4.1: 42 of 1,613,908 alleles (0.0026%); highest among the groups gnomAD compares: South Asian, 0.02%; no homozygotes.

Submission:

Labcorp Genetics (formerly Invitae), Labcorp
Classification: Uncertain significance. Last evaluated: 2022-08-23. Review status: criteria provided, single submitter. Criteria: Invitae Variant Classification Sherloc (09022015). Collection method: clinical testing. Allele origin: germline.
Comment: This sequence change replaces arginine, which is basic and polar, with tryptophan, which is neutral and slightly polar, at codon 481 of the DPYS protein (p.Arg481Trp). This variant is present in population databases (rs150948846, gnomAD 0.03%). This variant has not been reported in the literature in individuals affected with DPYS-related conditions. Algorithms developed to predict the effect of missense changes on protein structure and function are either unavailable or do not agree on the potential impact of this missense change (SIFT: "Deleterious"; PolyPhen-2: "Benign"; Align-GVGD: "Class C0"). In summary, the available evidence is currently insufficient to determine the role of this variant in disease. Therefore, it has been classified as a Variant of Uncertain Significance.